The following is an entry in ClinVar:

NM_018706.7(DHTKD1):c.1186C>T (p.His396Tyr)

Gene: DHTKD1 (dehydrogenase E1 and transketolase domain containing 1; plus strand). Cytogenetic location: 10p14.
Variant type: single nucleotide variant.
Coding change: c.1186C>T on transcript NM_018706.7 (MANE Select); coding-DNA position 1186, C replaced by T.
Protein change: p.His396Tyr; replaces histidine 396 with tyrosine.
Molecular consequence: missense variant.
Genome position (GRCh38, 1-based): chr10:12,094,099, C>T. VCF-style: chr10-12094099-C-T. GRCh37 (hg19) VCF-style: chr10-12136098-C-T.
Other names: short protein forms H396Y.
Identifiers: ClinVar variation 2142679 (VCV002142679.4), dbSNP rs376642629, ClinGen allele CA376020066.

ClinVar aggregate classification (germline): Uncertain significance (1 of 4 stars; one submission).

Conditions:
2-aminoadipic 2-oxoadipic aciduria (AAKAD). Also called: ALPHA-AMINOADIPIC AND ALPHA-KETOADIPIC ACIDURIA; Aminoadipic aciduria. Identifiers: Orphanet 79154, MedGen C1859817, MONDO:0008774, OMIM 204750.

Allele frequency attached by ClinVar (database versions not stated): gnomAD exomes 0.00001.
gnomAD v4.1: 8 of 1,614,054 alleles (0.0005%); highest among the groups gnomAD compares: Admixed American, 0.0083%; no homozygotes.

Submission:

Labcorp Genetics (formerly Invitae), Labcorp
Classification: Uncertain significance for 2-aminoadipic 2-oxoadipic aciduria. Last evaluated: 2025-09-08. Review status: criteria provided, single submitter. Criteria: Invitae Variant Classification Sherloc (09022015). Collection method: clinical testing. Allele origin: germline.
Comment: This sequence change replaces histidine, which is basic and polar, with tyrosine, which is neutral and polar, at codon 396 of the DHTKD1 protein (p.His396Tyr). This variant is present in population databases (no rsID available, gnomAD 0.01%). This variant has not been reported in the literature in individuals affected with DHTKD1-related conditions. ClinVar contains an entry for this variant (Variation ID: 2142679). Invitae Evidence Modeling of protein sequence and biophysical properties (such as structural, functional, and spatial information, amino acid conservation, physicochemical variation, residue mobility, and thermodynamic stability) indicates that this missense variant is expected to disrupt DHTKD1 protein function with a positive predictive value of 80%. In summary, the available evidence is currently insufficient to determine the role of this variant in disease. Therefore, it has been classified as a Variant of Uncertain Significance.